The following is an entry in ClinVar:

NM_000257.4(MYH7):c.4807G>C (p.Ala1603Pro)

Genes: MYH7 (myosin heavy chain 7; minus strand), MHRT (myosin heavy chain associated RNA transcript; plus strand), LOC126861897 (BRD4-independent group 4 enhancer GRCh37_chr14:23884455-23885654; plus strand). Cytogenetic location: 14q11.2.
Variant type: single nucleotide variant.
Coding change: c.4807G>C on transcript NM_000257.4 (MANE Select); coding-DNA position 4807, G replaced by C.
Protein change: p.Ala1603Pro; replaces alanine 1603 with proline.
Molecular consequence: missense variant. On other transcripts: non-coding transcript variant (1).
Genome position (GRCh38, 1-based): chr14:23,416,150, C>G on the plus strand (G>C on the coding strand, the complement: MYH7 is on the minus strand). VCF-style: chr14-23416150-C-G. GRCh37 (hg19) VCF-style: chr14-23885359-C-G.
Other names: short protein forms A1603P.
Identifiers: ClinVar variation 190407 (VCV000190407.12), dbSNP rs730880809, ClinGen allele CA347265.

ClinVar aggregate classification (germline): Likely pathogenic. Review status: criteria provided, multiple submitters, no conflicts (2 of 4 stars). 2 submissions from 2 submitters: Likely pathogenic (2). Last evaluated 2024-03-01.

Conditions:
Myosin storage myopathy (CMYO7A). Also called: SCAPULOPERONEAL MUSCULAR DYSTROPHY; SCAPULOPERONEAL SYNDROME, MYOPATHIC TYPE; MYOPATHY WITH LYSIS OF TYPE I MYOFIBRILS; MYH7-related late-onset scapuloperoneal muscular dystrophy; Congenital myopathy 7A, myosin storage, autosomal dominant; Scapuloperoneal myopathy, MYH7-related. Identifiers: Orphanet 437572, Orphanet 636965, MedGen C1842160, MONDO:0008409, OMIM 608358.
Hypertrophic cardiomyopathy. Also called: HYPERTROPHIC MYOCARDIOPATHY. Identifiers: Orphanet 217569, MedGen C0007194, MeSH D002312, MONDO:0005045, HP:0001639.

Submissions (2):

Muscle and Diseases Team, Institut de Génétique et Biologie Moléculaire et Cellulaire
Classification: Likely pathogenic for Myosin storage myopathy. Last evaluated: 2024-03-01. Review status: criteria provided, single submitter. Criteria: ACMG Guidelines, 2015. Collection method: research. Allele origin: germline. Affected: yes. Observed: 1 variant allele.
Comment: PM1+PM2+PP2+PP3+PP4+PP5

Labcorp Genetics (formerly Invitae), Labcorp
Classification: Likely pathogenic for Hypertrophic cardiomyopathy. Last evaluated: 2017-12-11. Review status: criteria provided, single submitter. Criteria: Invitae Variant Classification Sherloc (09022015). Collection method: clinical testing. Allele origin: germline.
Comment: This sequence change replaces alanine with proline at codon 1603 of the MYH7 protein (p.Ala1603Pro). The alanine residue is highly conserved and there is a small physicochemical difference between alanine and proline. This variant is not present in population databases (ExAC no frequency). This variant has been reported in several individuals and families affected with distal myopathy (PMID: 27387980, 24664454, Invitae) and in an individual affected with congenital myopathy (PMID: 25214167). ClinVar contains an entry for this variant (Variation ID: 190407). Algorithms developed to predict the effect of missense changes on protein structure and function do not agree on the potential impact of this missense change (SIFT: "Deleterious"; PolyPhen-2: "Probably Damaging"; Align-GVGD: "Class C0"). In summary, the currently available evidence indicates that the variant is pathogenic, but additional data are needed to prove that conclusively. Therefore, this variant has been classified as Likely Pathogenic.

Literature cited by the submitters: DOI 10.1186/s13073-024-01353-0 (cited by Muscle and Diseases Team, Institut de Génétique et Biologie Moléculaire et Cellulaire); PubMed 27387980 (cited by Labcorp Genetics (formerly Invitae), Labcorp); PubMed 24664454 (cited by Labcorp Genetics (formerly Invitae), Labcorp); PubMed 25214167 (cited by Labcorp Genetics (formerly Invitae), Labcorp).